The following is an entry in ClinVar:

NM_000019.4(ACAT1):c.491_495del (p.Asn164fs)

Gene: ACAT1 (acetyl-CoA acetyltransferase 1; plus strand). Cytogenetic location: 11q22.3.
Variant type: Deletion.
Coding change: c.491_495del on transcript NM_000019.4 (MANE Select); coding-DNA positions 491 to 495, 5 bases deleted (ACAGA; older notation c.491_495delACAGA).
Protein change: p.Asn164fs; shifts the reading frame from asparagine 164.
Molecular consequence: frameshift variant. On other transcripts: non-coding transcript variant (2).
Genome position (GRCh38, 1-based): chr11:108,138,953-108,138,957, ACAGA deleted; deleting any 5 consecutive bases within chr11:108,138,951-108,138,957 gives the same sequence; the c. name uses the placement nearest the transcript's 3' end. VCF-style (leftmost placement, unchanged base first): chr11-108138950-TGAACA-T. GRCh37 (hg19) VCF-style: chr11-108009677-TGAACA-T.
Other names: c.491_495del, p.Asn164fs (NM_001386677.1); c.176_180del, p.Asn59fs (NM_001386678.1); c.194_198del, p.Asn65fs (NM_001386679.1); c.221_225del, p.Asn74fs (NM_001386681.1, NM_001386682.1, NM_001386685.1 and 6 more transcripts); short protein forms N74fs, N59fs, N164fs, N65fs.
Identifiers: ClinVar variation 1456767 (VCV001456767.7), dbSNP rs2135356039, ClinGen allele CA2573146378.

ClinVar aggregate classification (germline): Pathogenic/Likely pathogenic. Review status: criteria provided, multiple submitters, no conflicts (2 of 4 stars). 2 submissions from 2 submitters: Pathogenic (1); Likely pathogenic (1). Last evaluated 2024-09-12.

Conditions:
Deficiency of acetyl-CoA acetyltransferase. Also called: MITOCHONDRIAL ACETOACETYL-CoA THIOLASE DEFICIENCY; 3-KETOTHIOLASE DEFICIENCY; 3-OXOTHIOLASE DEFICIENCY; Beta-ketothiolase deficiency. Identifiers: Orphanet 134, MedGen C1536500, MONDO:0008760, OMIM 203750. Disease mechanism: loss of function.

Submissions (2):

Labcorp Genetics (formerly Invitae), Labcorp
Classification: Pathogenic for Deficiency of acetyl-CoA acetyltransferase. Last evaluated: 2024-09-12. Review status: criteria provided, single submitter. Criteria: Invitae Variant Classification Sherloc (09022015). Collection method: clinical testing. Allele origin: germline.
Comment: This sequence change creates a premature translational stop signal (p.Asn164Argfs*11) in the ACAT1 gene. It is expected to result in an absent or disrupted protein product. Loss-of-function variants in ACAT1 are known to be pathogenic (PMID: 7749408). This variant is not present in population databases (gnomAD no frequency). This variant has not been reported in the literature in individuals affected with ACAT1-related conditions. ClinVar contains an entry for this variant (Variation ID: 1456767). Algorithms developed to predict the effect of sequence changes on RNA splicing suggest that this variant may disrupt the consensus splice site. For these reasons, this variant has been classified as Pathogenic.

Baylor Genetics
Classification: Likely pathogenic for Deficiency of acetyl-CoA acetyltransferase. Last evaluated: 2023-10-25. Review status: criteria provided, single submitter. Criteria: ACMG Guidelines, 2015. Collection method: clinical testing. Allele origin: unknown.

Literature cited by the submitters: PubMed 7749408 (cited by Labcorp Genetics (formerly Invitae), Labcorp).